The following is an entry in ClinVar:

NM_015338.6(ASXL1):c.829C>T (p.Pro277Ser)

Gene: ASXL1 (ASXL transcriptional regulator 1; plus strand). Cytogenetic location: 20q11.21.
Variant type: single nucleotide variant.
Coding change: c.829C>T on transcript NM_015338.6 (MANE Select); coding-DNA position 829, C replaced by T.
Protein change: p.Pro277Ser; replaces proline 277 with serine.
Molecular consequence: missense variant.
Genome position (GRCh38, 1-based): chr20:32,431,431, C>T. VCF-style: chr20-32431431-C-T. GRCh37 (hg19) VCF-style: chr20-31019234-C-T.
Other names: c.646C>T, p.Pro216Ser (NM_001363734.1); short protein forms P277S, P216S.
Identifiers: ClinVar variation 3957705 (VCV003957705.1).
Genomic context (GRCh38, chr20:32,431,431, plus strand): 5'-TCCATTCTTGTCAACACCAACCTCCGTGCCCTGATCAACTCTCGGACCTTCCATGCCTTA[C>T]CATCACACTTCCAGCAGCAGCTCCTCTTCCTCCTGCCTGAAGTAGACAGACAGGTGCACA-3'
Protein context (NP_056153.2, residues 267-287): LINSRTFHAL[Pro277Ser]SHFQQQLLFL

ClinVar aggregate classification (germline): Uncertain significance (1 of 4 stars; one submission).

Conditions:
Inborn genetic diseases. Identifiers: MedGen C0950123, MeSH D030342.

Submission:

Ambry Genetics
Classification: Uncertain significance for Inborn genetic diseases. Last evaluated: 2025-06-08. Review status: criteria provided, single submitter. Criteria: Ambry Variant Classification Scheme 2023. Collection method: clinical testing. Allele origin: germline.
Comment: The p.P277S variant (also known as c.829C>T), located in coding exon 9 of the ASXL1 gene, results from a C to T substitution at nucleotide position 829. The proline at codon 277 is replaced by serine, an amino acid with similar properties. This amino acid position is conserved. In addition, the in silico prediction for this alteration is inconclusive. Based on the available evidence, the clinical significance of this variant remains unclear.